The following is an entry in ClinVar:

NM_001297.5(CNGB1):c.1720C>T (p.Leu574Phe)

Gene: CNGB1 (cyclic nucleotide gated channel subunit beta 1; minus strand). Cytogenetic location: 16q21.
Variant type: single nucleotide variant.
Coding change: c.1720C>T on transcript NM_001297.5 (MANE Select); coding-DNA position 1720, C replaced by T.
Protein change: p.Leu574Phe; replaces leucine 574 with phenylalanine.
Molecular consequence: missense variant.
Genome position (GRCh38, 1-based): chr16:57,920,468, G>A on the plus strand (C>T on the coding strand, the complement: CNGB1 is on the minus strand). VCF-style: chr16-57920468-G-A. GRCh37 (hg19) VCF-style: chr16-57954372-G-A.
Other names: c.1702C>T, p.Leu568Phe (NM_001286130.2); short protein forms L574F, L568F.
Identifiers: ClinVar variation 1391732 (VCV001391732.6), dbSNP rs940484020, ClinGen allele CA281604542.
Genomic context (GRCh38, chr16:57,920,468, plus strand): 5'-CAGAGGTGACGTCAGGGTCAATGAGTTTCTCCTTCACTTTCTCTGTCCGCTCCTTGAAGA[G>A]CTTCACCAGCTCCTGGAGCCGGTCGTTGATGATGGCGCTATTTGTGCTGGCCGTGGAGGC-3'
Protein context (NP_001288.3, residues 564-584): INDRLQELVK[Leu574Phe]FKERTEKVKE

ClinVar aggregate classification (germline): Uncertain significance (1 of 4 stars; one submission).

Submission:

Labcorp Genetics (formerly Invitae), Labcorp
Classification: Uncertain significance. Last evaluated: 2026-01-05. Review status: criteria provided, single submitter. Criteria: Invitae Variant Classification Sherloc (09022015). Collection method: clinical testing. Allele origin: germline.
Comment: This sequence change replaces leucine, which is neutral and non-polar, with phenylalanine, which is neutral and non-polar, at codon 574 of the CNGB1 protein (p.Leu574Phe). This variant is not present in population databases (gnomAD no frequency). This variant has not been reported in the literature in individuals affected with CNGB1-related conditions. ClinVar contains an entry for this variant (Variation ID: 1391732). Invitae Evidence Modeling of protein sequence and biophysical properties (such as structural, functional, and spatial information, amino acid conservation, physicochemical variation, residue mobility, and thermodynamic stability) indicates that this missense variant is not expected to disrupt CNGB1 protein function with a negative predictive value of 80%. In summary, the available evidence is currently insufficient to determine the role of this variant in disease. Therefore, it has been classified as a Variant of Uncertain Significance.